The following is an entry in ClinVar:

NM_014915.3(ANKRD26):c.1429A>G (p.Thr477Ala)

Gene: ANKRD26 (ankyrin repeat domain containing 26; minus strand). Cytogenetic location: 10p12.1.
Variant type: single nucleotide variant.
Coding change: c.1429A>G on transcript NM_014915.3 (MANE Select); coding-DNA position 1429, A replaced by G.
Protein change: p.Thr477Ala; replaces threonine 477 with alanine.
Molecular consequence: missense variant.
Genome position (GRCh38, 1-based): chr10:27,061,177, T>C on the plus strand (A>G on the coding strand, the complement: ANKRD26 is on the minus strand). VCF-style: chr10-27061177-T-C. GRCh37 (hg19) VCF-style: chr10-27350106-T-C.
Other names: c.1429A>G, p.Thr477Ala (NM_001256053.2); short protein forms T477A.
Identifiers: ClinVar variation 3912219 (VCV003912219.1).

ClinVar aggregate classification (germline): Uncertain significance (1 of 4 stars; one submission).

Conditions:
Inborn genetic diseases. Identifiers: MedGen C0950123, MeSH D030342.

Submission:

Ambry Genetics
Classification: Uncertain significance for Inborn genetic diseases. Last evaluated: 2025-04-18. Review status: criteria provided, single submitter. Criteria: Ambry Variant Classification Scheme 2023. Collection method: clinical testing. Allele origin: germline.
Comment: The p.T477A variant (also known as c.1429A>G), located in coding exon 13 of the ANKRD26 gene, results from an A to G substitution at nucleotide position 1429. The threonine at codon 477 is replaced by alanine, an amino acid with similar properties. This amino acid position is conserved. In addition, this alteration is predicted to be tolerated by in silico analysis. Based on the available evidence, the clinical significance of this variant remains unclear.